The following is an entry in ClinVar:

ClinVar aggregate classification (germline): Uncertain significance (1 of 4 stars; one submission).

Conditions:
Inborn genetic diseases. Identifiers: MedGen C0950123, MeSH D030342.

Submission:

Ambry Genetics
Classification: Uncertain significance for Inborn genetic diseases. Last evaluated: 2026-03-30. Review status: criteria provided, single submitter. Criteria: Ambry Variant Classification Scheme 2023. Collection method: clinical testing. Allele origin: germline.
Comment: The p.N1049Y variant (also known as c.3145A>T), located in coding exon 1 of the SAMD9 gene, results from an A to T substitution at nucleotide position 3145. The asparagine at codon 1049 is replaced by tyrosine, an amino acid with dissimilar properties. This amino acid position is conserved. In addition, this alteration is predicted to be tolerated by in silico analysis. Based on the available evidence, the clinical significance of this variant remains unclear.

NM_017654.4(SAMD9):c.3145A>T (p.Asn1049Tyr)

Gene: SAMD9 (sterile alpha motif domain containing 9; minus strand). Cytogenetic location: 7q21.2.
Variant type: single nucleotide variant.
Coding change: c.3145A>T on transcript NM_017654.4 (MANE Select); coding-DNA position 3145, A replaced by T.
Protein change: p.Asn1049Tyr; replaces asparagine 1049 with tyrosine.
Molecular consequence: missense variant.
Genome position (GRCh38, 1-based): chr7:93,102,953, T>A on the plus strand (A>T on the coding strand, the complement: SAMD9 is on the minus strand). VCF-style: chr7-93102953-T-A. GRCh37 (hg19) VCF-style: chr7-92732266-T-A.
Other names: c.3145A>T, p.Asn1049Tyr (NM_001193307.2); short protein forms N1049Y.
Identifiers: ClinVar variation 4863786 (VCV004863786.1).